The following is an entry in ClinVar:

NM_000489.6(ATRX):c.2686G>C (p.Asp896His)

Gene: ATRX (ATRX chromatin remodeler; minus strand). Cytogenetic location: Xq21.1.
Variant type: single nucleotide variant.
Coding change: c.2686G>C on transcript NM_000489.6 (MANE Select); coding-DNA position 2686, G replaced by C.
Protein change: p.Asp896His; replaces aspartic acid 896 with histidine.
Molecular consequence: missense variant.
Genome position (GRCh38, 1-based): chrX:77,682,570, C>G on the plus strand (G>C on the coding strand, the complement: ATRX is on the minus strand). VCF-style: chrX-77682570-C-G. GRCh37 (hg19) VCF-style: chrX-76938062-C-G.
Other names: c.2572G>C, p.Asp858His (NM_138270.5); c.2686G>C (NM_000489.3); short protein forms D896H, D858H.
Identifiers: ClinVar variation 861988 (VCV000861988.12), dbSNP rs2071279824, ClinGen allele CA413710961.

ClinVar aggregate classification (germline): Uncertain significance. Review status: criteria provided, multiple submitters, no conflicts (2 of 4 stars). 3 submissions from 3 submitters: Uncertain significance (2). 1 of the submissions does not count toward it. Last evaluated 2025-08-11.

Conditions:
Alpha thalassemia-X-linked intellectual disability syndrome (ATRX). Also called: ATR-X syndrome; Alpha thalassemia mental retardation syndrome, nondeletion type, X-linked; XLMR hypotonic face syndrome; ALPHA-THALASSEMIA/IMPAIRED INTELLECTUAL DEVELOPMENT SYNDROME, X-LINKED; ALPHA-THALASSEMIA/MENTAL RETARDATION SYNDROME, X-LINKED; ATR, NONDELETION TYPE. Identifiers: Orphanet 847, MedGen C1845055, MONDO:0010519, OMIM 301040.

Submissions (3):

Labcorp Genetics (formerly Invitae), Labcorp
Classification: Uncertain significance for Alpha thalassemia-X-linked intellectual disability syndrome. Last evaluated: 2025-08-11. Review status: criteria provided, single submitter. Criteria: Invitae Variant Classification Sherloc (09022015). Collection method: clinical testing. Allele origin: germline.
Comment: This sequence change replaces aspartic acid, which is acidic and polar, with histidine, which is basic and polar, at codon 896 of the ATRX protein (p.Asp896His). This variant is not present in population databases (gnomAD no frequency). This variant has not been reported in the literature in individuals affected with ATRX-related conditions. ClinVar contains an entry for this variant (Variation ID: 861988). Invitae Evidence Modeling of protein sequence and biophysical properties (such as structural, functional, and spatial information, amino acid conservation, physicochemical variation, residue mobility, and thermodynamic stability) indicates that this missense variant is not expected to disrupt ATRX protein function with a negative predictive value of 95%. In summary, the available evidence is currently insufficient to determine the role of this variant in disease. Therefore, it has been classified as a Variant of Uncertain Significance.

GeneDx
Classification: Uncertain significance. Last evaluated: 2024-04-30. Review status: criteria provided, single submitter. Criteria: GeneDx Variant Classification Process June 2021. Collection method: clinical testing. Allele origin: germline. Affected: yes.
Comment: Not observed at significant frequency in large population cohorts (gnomAD); In silico analysis indicates that this missense variant does not alter protein structure/function; Has not been previously published as pathogenic or benign to our knowledge

Natera, Inc.
Classification: Uncertain significance for X-linked alpha-thalassemia-mental retardation syndrome. Last evaluated: 2021-05-19. Review status: no assertion criteria provided. Collection method: clinical testing. Allele origin: germline. Not counted in ClinVar's aggregate classification.